The following is an entry in ClinVar:

NM_032043.3(BRIP1):c.2315C>A (p.Ser772Ter)

Gene: BRIP1 (BRCA1 interacting DNA helicase 1; minus strand). Cytogenetic location: 17q23.2.
Variant type: single nucleotide variant.
Coding change: c.2315C>A on transcript NM_032043.3 (MANE Select); coding-DNA position 2315, C replaced by A.
Protein change: p.Ser772Ter; replaces serine 772 with a stop codon.
Molecular consequence: nonsense.
Genome position (GRCh38, 1-based): chr17:61,743,077, G>T on the plus strand (C>A on the coding strand, the complement: BRIP1 is on the minus strand). VCF-style: chr17-61743077-G-T. GRCh37 (hg19) VCF-style: chr17-59820438-G-T.
Other names: short protein forms S772*.
Identifiers: ClinVar variation 1789483 (VCV001789483.4), dbSNP rs2144677625, ClinGen allele CA400482650.

ClinVar aggregate classification (germline): Pathogenic. Review status: criteria provided, multiple submitters, no conflicts (2 of 4 stars). 2 submissions from 2 submitters: Pathogenic (2). Last evaluated 2023-06-06.

Conditions:
Hereditary cancer-predisposing syndrome. Also called: Hereditary Cancer Syndrome; Hereditary neoplastic syndrome; Tumor predisposition; Neoplastic Syndromes, Hereditary. Identifiers: Orphanet 140162, MedGen C0027672, MeSH D009386, MONDO:0015356.
Familial cancer of breast. Also called: BREAST CANCER, FAMILIAL; Hereditary breast cancer; hereditary breast carcinoma. Identifiers: Orphanet 227535, MedGen C0346153, MONDO:0016419, OMIM 114480. Disease mechanism: loss of function.

Submissions (2):

Myriad Genetics, Inc.
Classification: Pathogenic for Familial cancer of breast. Last evaluated: 2023-06-06. Review status: criteria provided, single submitter. Criteria: Myriad Autosomal Dominant, Autosomal Recessive and X-Linked Classification Criteria (2023). Collection method: clinical testing. Allele origin: unknown.
Comment: This variant is considered pathogenic. This variant creates a termination codon and is predicted to result in premature protein truncation.

Ambry Genetics
Classification: Pathogenic for Hereditary cancer-predisposing syndrome. Last evaluated: 2022-02-24. Review status: criteria provided, single submitter. Criteria: Ambry Variant Classification Scheme 2023. Collection method: clinical testing. Allele origin: germline.
Comment: The p.S772* pathogenic mutation (also known as c.2315C>A), located in coding exon 15 of the BRIP1 gene, results from a C to A substitution at nucleotide position 2315. This changes the amino acid from a serine to a stop codon within coding exon 15. This variant is considered to be rare based on population cohorts in the Genome Aggregation Database (gnomAD). This alteration is expected to result in loss of function by premature protein truncation or nonsense-mediated mRNA decay. As such, this alteration is interpreted as a disease-causing mutation.